The following is an entry in ClinVar:

NM_015662.3(IFT172):c.2264G>A (p.Arg755Gln)

Gene: IFT172 (intraflagellar transport 172; minus strand). Cytogenetic location: 2p23.3.
Variant type: single nucleotide variant.
Coding change: c.2264G>A on transcript NM_015662.3 (MANE Select); coding-DNA position 2264, G replaced by A.
Protein change: p.Arg755Gln; replaces arginine 755 with glutamine.
Molecular consequence: missense variant.
Genome position (GRCh38, 1-based): chr2:27,461,447, C>T on the plus strand (G>A on the coding strand, the complement: IFT172 is on the minus strand). VCF-style: chr2-27461447-C-T. GRCh37 (hg19) VCF-style: chr2-27684314-C-T.
Other names: short protein forms R755Q.
Identifiers: ClinVar variation 767215 (VCV000767215.17), dbSNP rs78631901, ClinGen allele CA1580344.

ClinVar aggregate classification (germline): Likely benign. Review status: criteria provided, multiple submitters, no conflicts (2 of 4 stars). 6 submissions from 6 submitters: Likely benign (4). 2 of the submissions do not count toward it. Last evaluated 2026-01-26.

Conditions:
Short-rib thoracic dysplasia 10 with or without polydactyly (SRTD10). Identifiers: Orphanet 474, MedGen C3810175, MONDO:0014284, OMIM 615630.
Retinitis pigmentosa 71 (RP71). Identifiers: Orphanet 791, MedGen C4225342, MONDO:0014618, OMIM 616394.
Retinal dystrophy. Also called: Inherited retinal dystrophy. Identifiers: Orphanet 71862, MedGen C0854723, MeSH D058499, MONDO:0019118, HP:0000556.

Allele frequency attached by ClinVar (database versions not stated): ESP Exome Variant Server 0.00077; gnomAD 0.00083; TOPMed 0.00114; 1000 Genomes Project 0.00140; 1000 Genomes Project 30x 0.00156.
gnomAD v4.1: 499 of 1,614,152 alleles (0.031%); highest among the groups gnomAD compares: East Asian, 0.49%; no homozygotes.

Submissions (6):

Labcorp Genetics (formerly Invitae), Labcorp
Classification: Likely benign for Retinitis pigmentosa 71; Short-rib thoracic dysplasia 10 with or without polydactyly. Last evaluated: 2026-01-26. Review status: criteria provided, single submitter. Criteria: Invitae Variant Classification Sherloc (09022015). Collection method: clinical testing. Allele origin: germline.

Blueprint Genetics
Classification: Likely benign. Last evaluated: 2024-10-08. Review status: criteria provided, single submitter. Criteria: ACMG Guidelines, 2015. Collection method: clinical testing. Allele origin: germline.

Dept Of Ophthalmology, Nagoya University
Classification: Likely benign for Retinal dystrophy. Last evaluated: 2023-10-01. Review status: criteria provided, single submitter. Criteria: Submitter's publication. Collection method: research. Allele origin: germline. Affected: yes.

GeneDx
Classification: Likely benign. Last evaluated: 2021-03-18. Review status: criteria provided, single submitter. Criteria: GeneDx Variant Classification Process June 2021. Collection method: clinical testing. Allele origin: germline. Affected: yes.
Comment: This variant is associated with the following publications: (PMID: 31054281)

Clinical Genetics DNA and cytogenetics Diagnostics Lab, Erasmus MC, Erasmus Medical Center
Classification: Likely benign. Review status: no assertion criteria provided. Collection method: clinical testing. Allele origin: germline. Affected: yes. Study: VKGL Data-share Consensus. Not counted in ClinVar's aggregate classification.

Clinical Genetics, Academic Medical Center
Classification: Likely benign. Review status: no assertion criteria provided. Collection method: clinical testing. Allele origin: germline. Affected: yes. Study: VKGL Data-share Consensus. Not counted in ClinVar's aggregate classification.